The following is an entry in ClinVar:

NM_005585.5(SMAD6):c.380_383del (p.Cys127fs)

Gene: SMAD6 (SMAD family member 6; plus strand). Cytogenetic location: 15q22.31.
Variant type: Deletion.
Coding change: c.380_383del on transcript NM_005585.5 (MANE Select); coding-DNA positions 380 to 383, 4 bases deleted (GTCT; older notation c.380_383delGTCT).
Protein change: p.Cys127fs; shifts the reading frame from cysteine 127.
Molecular consequence: frameshift variant. On other transcripts: non-coding transcript variant (1).
Genome position (GRCh38, 1-based): chr15:66,703,638-66,703,641, GTCT deleted; deleting any 4 consecutive bases within chr15:66,703,636-66,703,641 gives the same sequence; the c. name uses the placement nearest the transcript's 3' end. VCF-style (leftmost placement, unchanged base first): chr15-66703635-GCTGT-G. GRCh37 (hg19) VCF-style: chr15-66995973-GCTGT-G.
Other names: short protein forms C127fs.
Identifiers: ClinVar variation 3624916 (VCV003624916.2).
Genomic context (GRCh38, chr15:66,703,635, plus strand): 5'-ACGTGGCGGAGCCGGGAGGCCCGGGCTGGCTGCCCGAGAGTGACTGCGAGACGGTGACCT[GCTGT>G]CTCTTTTCGGAGCGGGACGCCGCCGGCGCGCCCCGGGACGCCAGCGACCCCCTGGCCGGG-3'

ClinVar aggregate classification (germline): Uncertain significance (1 of 4 stars; one submission).

Conditions:
Aortic valve disease 2 (AOVD2). Identifiers: MedGen C3542024, MONDO:0013902, OMIM 614823.

Submission:

Labcorp Genetics (formerly Invitae), Labcorp
Classification: Uncertain significance for Aortic valve disease 2. Last evaluated: 2024-10-13. Review status: criteria provided, single submitter. Criteria: Invitae Variant Classification Sherloc (09022015). Collection method: clinical testing. Allele origin: germline.
Comment: This sequence change creates a premature translational stop signal (p.Cys127Serfs*53) in the SMAD6 gene. It is expected to result in an absent or disrupted protein product. However, the current clinical and genetic evidence is not sufficient to establish whether loss-of-function variants in SMAD6 cause disease. This variant is not present in population databases (gnomAD no frequency). This variant has not been reported in the literature in individuals affected with SMAD6-related conditions. In summary, the available evidence is currently insufficient to determine the role of this variant in disease. Therefore, it has been classified as a Variant of Uncertain Significance.